The following is an entry in ClinVar:

NM_000264.5(PTCH1):c.122G>C (p.Arg41Pro)

Genes: PTCH1 (patched 1; minus strand), LOC130002133 (ATAC-STARR-seq lymphoblastoid silent region 20071; plus strand). Cytogenetic location: 9q22.32.
Variant type: single nucleotide variant.
Coding change: c.122G>C on transcript NM_000264.5 (MANE Select); coding-DNA position 122, G replaced by C.
Protein change: p.Arg41Pro; replaces arginine 41 with proline.
Molecular consequence: missense variant. On other transcripts: non-coding transcript variant (1), intron variant (3).
Genome position (GRCh38, 1-based): chr9:95,508,240, C>G on the plus strand (G>C on the coding strand, the complement: PTCH1 is on the minus strand). VCF-style: chr9-95508240-C-G. GRCh37 (hg19) VCF-style: chr9-98270522-C-G.
Other names: c.122G>C, p.Arg41Pro (NM_001354918.2); c.199-1641G>C (NM_001083603.3); c.4-1641G>C (NM_001083602.3, NM_001354919.2); short protein forms R41P.
Identifiers: ClinVar variation 1755249 (VCV001755249.7), dbSNP rs1554709493, ClinGen allele CA374121394.

ClinVar aggregate classification (germline): Uncertain significance. Review status: criteria provided, multiple submitters, no conflicts (2 of 4 stars). 2 submissions from 2 submitters: Uncertain significance (2). Last evaluated 2025-06-02.

Conditions:
Gorlin syndrome. Also called: Nevoid Basal Cell Carcinoma Syndrome; Basal cell nevus syndrome. Identifiers: Orphanet 377, MedGen C0004779, MONDO:0007187.
Hereditary cancer-predisposing syndrome. Also called: Neoplastic Syndromes, Hereditary; Tumor predisposition; Hereditary neoplastic syndrome; Hereditary Cancer Syndrome. Identifiers: Orphanet 140162, MedGen C0027672, MeSH D009386, MONDO:0015356.

Submissions (2):

Labcorp Genetics (formerly Invitae), Labcorp
Classification: Uncertain significance for Gorlin syndrome. Last evaluated: 2025-06-02. Review status: criteria provided, single submitter. Criteria: Invitae Variant Classification Sherloc (09022015). Collection method: clinical testing. Allele origin: germline.
Comment: This sequence change replaces arginine, which is basic and polar, with proline, which is neutral and non-polar, at codon 41 of the PTCH1 protein (p.Arg41Pro). This variant is not present in population databases (gnomAD no frequency). This variant has not been reported in the literature in individuals affected with PTCH1-related conditions. ClinVar contains an entry for this variant (Variation ID: 1755249). Invitae Evidence Modeling of protein sequence and biophysical properties (such as structural, functional, and spatial information, amino acid conservation, physicochemical variation, residue mobility, and thermodynamic stability) indicates that this missense variant is not expected to disrupt PTCH1 protein function with a negative predictive value of 95%. In summary, the available evidence is currently insufficient to determine the role of this variant in disease. Therefore, it has been classified as a Variant of Uncertain Significance.

Ambry Genetics
Classification: Uncertain significance for Hereditary cancer-predisposing syndrome. Last evaluated: 2022-10-17. Review status: criteria provided, single submitter. Criteria: Ambry Variant Classification Scheme 2023. Collection method: clinical testing. Allele origin: germline.
Comment: The p.R41P variant (also known as c.122G>C), located in coding exon 1 of the PTCH1 gene, results from a G to C substitution at nucleotide position 122. The arginine at codon 41 is replaced by proline, an amino acid with dissimilar properties. This amino acid position is conserved. In addition, the in silico prediction for this alteration is inconclusive. Since supporting evidence is limited at this time, the clinical significance of this alteration remains unclear.